The following is an entry in ClinVar:

NM_000088.4(COL1A1):c.243C>A (p.Cys81Ter)

Gene: COL1A1 (collagen type I alpha 1 chain; minus strand). Cytogenetic location: 17q21.33.
Variant type: single nucleotide variant.
Coding change: c.243C>A on transcript NM_000088.4 (MANE Select); coding-DNA position 243, C replaced by A.
Protein change: p.Cys81Ter; replaces cysteine 81 with a stop codon.
Molecular consequence: nonsense.
Genome position (GRCh38, 1-based): chr17:50,199,808, G>T on the plus strand (C>A on the coding strand, the complement: COL1A1 is on the minus strand). VCF-style: chr17-50199808-G-T. GRCh37 (hg19) VCF-style: chr17-48277169-G-T.
Other names: short protein forms C81*.
Identifiers: ClinVar variation 3715591 (VCV003715591.2).

ClinVar aggregate classification (germline): Pathogenic (1 of 4 stars; one submission).

Conditions:
Osteogenesis imperfecta type I (OI1). Also called: OI, TYPE I; OSTEOGENESIS IMPERFECTA TARDA; OSTEOGENESIS IMPERFECTA WITH BLUE SCLERAE; Osteogenesis imperfecta type 1; Lobstein's Disease; Lobstein disease. Identifiers: Orphanet 216796, Orphanet 666, MedGen C0023931, MONDO:0008146, OMIM 166200. Disease mechanism: loss of function.

Submission:

Labcorp Genetics (formerly Invitae), Labcorp
Classification: Pathogenic for Osteogenesis imperfecta type I. Last evaluated: 2024-10-26. Review status: criteria provided, single submitter. Criteria: Invitae Variant Classification Sherloc (09022015). Collection method: clinical testing. Allele origin: germline.
Comment: This sequence change creates a premature translational stop signal (p.Cys81*) in the COL1A1 gene. It is expected to result in an absent or disrupted protein product. Loss-of-function variants in COL1A1 are known to be pathogenic (PMID: 7942841, 9295084, 9443882). This variant is not present in population databases (gnomAD no frequency). This premature translational stop signal has been observed in individual(s) with clinical features of osteogenesis imperfecta (internal data). For these reasons, this variant has been classified as Pathogenic.

Literature cited by the submitters: PubMed 7942841; PubMed 9295084; PubMed 9443882.